The following is an entry in ClinVar:

ClinVar aggregate classification (germline): Likely pathogenic (1 of 4 stars; one submission).

Conditions:
Spermatogenic failure 18. Identifiers: MedGen C4539783, MONDO:0054615, OMIM 617576.

Submission:

Foundation for Research in Genetics and Endocrinology, FRIGE's Institute of Human Genetics
Classification: Likely pathogenic for Spermatogenic failure 18. Review status: criteria provided, single submitter. Criteria: ACMG Guidelines, 2015. Collection method: clinical testing. Allele origin: germline. Inheritance: Autosomal recessive inheritance. Affected: yes. Observed: 1 heterozygote.
Comment: A heterozygous missense variant in exon 31 of the DNAH1 gene that results in the amino acid substitution of arginine from proline at codon 1685 was observed. The variant has not been reported in the 1000 genomes and gnomAD databases. The in silico predictions are probably damaging by PolyPhen-2 and damaging by SIFT and LRT. The reference codon is conserved across species. In summary, the variant meets our criteria to be classified as likely pathogenic.

NM_015512.5(DNAH1):c.5054C>G (p.Pro1685Arg)

Gene: DNAH1 (dynein axonemal heavy chain 1; plus strand). Cytogenetic location: 3p21.1.
Variant type: single nucleotide variant.
Coding change: c.5054C>G on transcript NM_015512.5 (MANE Select); coding-DNA position 5054, C replaced by G.
Protein change: p.Pro1685Arg; replaces proline 1685 with arginine.
Molecular consequence: missense variant.
Genome position (GRCh38, 1-based): chr3:52,362,461, C>G. VCF-style: chr3-52362461-C-G. GRCh37 (hg19) VCF-style: chr3-52396477-C-G.
Other names: (p.Pro1685Arg); short protein forms P1685R.
Identifiers: ClinVar variation 2444493 (VCV002444493.2), dbSNP rs745552903, ClinGen allele CA353138595.